The following is an entry in ClinVar:

ClinVar aggregate classification (germline): Likely benign (1 of 4 stars; one submission).

Conditions:
Hereditary retinoblastoma. Identifiers: Orphanet 357027, MedGen C0751483, MONDO:0018160.

Submission:

Ramesar Group, Division of Human Genetics, Institute of Infectious Diseases and Molecular Medicine, UCT/MRC Genomic and Precision Medicine Research Unit, University of Cape Town
Classification: Likely benign for Hereditary retinoblastoma. Last evaluated: 2025-09-17. Review status: criteria provided, single submitter. Criteria: ACMG Guidelines, 2015. Collection method: research. Allele origin: germline. Affected: no.
Comment: BP5 - Variant found in a patient with a different retinal disease; RB1 is not associated with the phenotype BP7 - A non-coding variant with no predicted effect on splicing (SpliceAI scores are negligible)

NM_000321.3(RB1):c.1421+26dup

Gene: RB1 (RB transcriptional corepressor 1; plus strand). Cytogenetic location: 13q14.2.
Variant type: Duplication.
Coding change: c.1421+26dup on transcript NM_000321.3 (MANE Select); 26 bases into the intron after coding-DNA position 1421, one base duplicated (A; older notation c.1421+26dupA).
Molecular consequence: intron variant.
Genome position (GRCh38, 1-based): chr13:48,380,110, A duplicated; the last of 6 consecutive A bases (chr13:48,380,105-48,380,110); duplicating any one gives the same sequence. VCF-style (leftmost placement, unchanged base first): chr13-48380104-T-TA. GRCh37 (hg19) VCF-style: chr13-48954240-T-TA.
Other names: c.1421+26dup (NM_001407165.1, NM_001407166.1).
Identifiers: ClinVar variation 4759361 (VCV004759361.1).
Genomic context (GRCh38, chr13:48,380,104, plus strand): 5'-CTGTTTCAGGAAGAAGAACGATTATCCATTCAAAATTTTAGGTAAATTTTTTACTTTTAG[T>TA]AAAAAATTTTTTTCTTTTTATAGAAGTAAGTATTTTATAATCTTTTTTTTTTTCCTTTAG-3'